The following is an entry in ClinVar:

NM_002075.4(GNB3):c.512T>C (p.Ile171Thr)

Gene: GNB3 (G protein subunit beta 3; plus strand). Cytogenetic location: 12p13.31.
Variant type: single nucleotide variant.
Coding change: c.512T>C on transcript NM_002075.4 (MANE Select); coding-DNA position 512, T replaced by C.
Protein change: p.Ile171Thr; replaces isoleucine 171 with threonine.
Molecular consequence: missense variant.
Genome position (GRCh38, 1-based): chr12:6,843,791, T>C. VCF-style: chr12-6843791-T-C. GRCh37 (hg19) VCF-style: chr12-6952955-T-C.
Other names: c.509T>C, p.Ile170Thr (NM_001297571.2); c.512T>C (NM_002075.2); short protein forms I171T, I170T.
Identifiers: ClinVar variation 1922772 (VCV001922772.7), dbSNP rs144008405, ClinGen allele CA232398886.

ClinVar aggregate classification (germline): Uncertain significance. Review status: criteria provided, multiple submitters, no conflicts (2 of 4 stars). 3 submissions from 3 submitters: Uncertain significance (3). Last evaluated 2025-12-16.

Conditions:
Inborn genetic diseases. Identifiers: MedGen C0950123, MeSH D030342.

Allele frequency attached by ClinVar (database versions not stated): gnomAD exomes 0.00001; gnomAD 0.00002; TOPMed 0.00003; ESP Exome Variant Server 0.00008.

Submissions (3):

Ambry Genetics
Classification: Uncertain significance for Inborn genetic diseases. Last evaluated: 2025-12-16. Review status: criteria provided, single submitter. Criteria: Ambry Variant Classification Scheme 2023. Collection method: clinical testing. Allele origin: germline.

Labcorp Genetics (formerly Invitae), Labcorp
Classification: Uncertain significance. Last evaluated: 2024-12-27. Review status: criteria provided, single submitter. Criteria: Invitae Variant Classification Sherloc (09022015). Collection method: clinical testing. Allele origin: germline.
Comment: This sequence change replaces isoleucine, which is neutral and non-polar, with threonine, which is neutral and polar, at codon 171 of the GNB3 protein (p.Ile171Thr). This variant is present in population databases (rs144008405, gnomAD 0.0009%). This variant has not been reported in the literature in individuals affected with GNB3-related conditions. ClinVar contains an entry for this variant (Variation ID: 1922772). Invitae Evidence Modeling of protein sequence and biophysical properties (such as structural, functional, and spatial information, amino acid conservation, physicochemical variation, residue mobility, and thermodynamic stability) indicates that this missense variant is not expected to disrupt GNB3 protein function with a negative predictive value of 80%. In summary, the available evidence is currently insufficient to determine the role of this variant in disease. Therefore, it has been classified as a Variant of Uncertain Significance.

Blueprint Genetics
Classification: Uncertain significance. Last evaluated: 2021-08-18. Review status: criteria provided, single submitter. Criteria: ACMG Guidelines, 2015. Collection method: clinical testing. Allele origin: germline.